The following is an entry in ClinVar:

ClinVar aggregate classification (germline): Uncertain significance (1 of 4 stars; one submission).

Submission:

GeneDx
Classification: Uncertain significance. Last evaluated: 2022-09-21. Review status: criteria provided, single submitter. Criteria: GeneDx Variant Classification Process June 2021. Collection method: clinical testing. Allele origin: germline. Affected: yes.
Comment: Not observed at significant frequency in large population cohorts (gnomAD); In-frame deletion of 4 amino acids in a non-repeat region; In silico analysis supports a deleterious effect on protein structure/function; Has not been previously published as pathogenic or benign to our knowledge

NM_006306.4(SMC1A):c.1661_1672del (p.Arg554_Ile557del)

Gene: SMC1A (structural maintenance of chromosomes 1A; minus strand). Cytogenetic location: Xp11.22.
Variant type: Deletion.
Coding change: c.1661_1672del on transcript NM_006306.4 (MANE Select); coding-DNA positions 1661 to 1672, 12 bases deleted (GGGACTGTATTC).
Protein change: p.Arg554_Ile557del.
Molecular consequence: inframe deletion.
Genome position (GRCh38, 1-based): chrX:53,405,830-53,405,841, GAATACAGTCCC deleted on the plus strand (GGGACTGTATTC on the coding strand, the reverse complement: SMC1A is on the minus strand); deleting any 12 consecutive bases within chrX:53,405,830-53,405,842 gives the same sequence; the c. name uses the placement nearest the transcript's 3' end. VCF-style (leftmost placement, unchanged base first): chrX-53405829-TGAATACAGTCCC-T. GRCh37 (hg19) VCF-style: chrX-53432761-TGAATACAGTCCC-T.
Other names: c.1595_1606del, p.Arg532_Ile535del (NM_001281463.1).
Identifiers: ClinVar variation 2446131 (VCV002446131.1), dbSNP rs2520930361, ClinGen allele CA2580101208.